The following is an entry in ClinVar:

ClinVar aggregate classification (germline): Uncertain significance (1 of 4 stars; one submission).

Conditions:
Wilms tumor 6 (WT6). Also called: WILMS TUMOR 6, SUSCEPTIBILITY TO. Identifiers: Orphanet 654, MedGen C3891301, MONDO:0014779, OMIM 616806.

Submission:

St. Jude Molecular Pathology, St. Jude Children's Research Hospital
Classification: Uncertain significance for Wilms tumor 6. Last evaluated: 2026-10-01. Review status: criteria provided, single submitter. Criteria: St. Jude Assertion Criteria 2020. Collection method: clinical testing. Allele origin: germline.
Comment: The REST c.2164C>G p.(Gln722Glu) missense change is absent in gnomAD v2.1.1. The in silico tool REVEL predicts a benign effect on protein function, but to our knowledge this prediction has not been confirmed by functional studies. To our knowledge, this variant has not been reported in individuals with Wilms tumor. In summary, the evidence currently avai lable is insufficient to determine the clinical significance of this variant. It has therefore been classified as of uncertain significance.

NM_005612.5(REST):c.2164C>G (p.Gln722Glu)

Gene: REST (RE1 silencing transcription factor; plus strand). Cytogenetic location: 4q12.
Variant type: single nucleotide variant.
Coding change: c.2164C>G on transcript NM_005612.5 (MANE Select); coding-DNA position 2164, C replaced by G.
Protein change: p.Gln722Glu; replaces glutamine 722 with glutamic acid.
Molecular consequence: missense variant.
Genome position (GRCh38, 1-based): chr4:56,931,022, C>G. VCF-style: chr4-56931022-C-G. GRCh37 (hg19) VCF-style: chr4-57797188-C-G.
Other names: c.2164C>G, p.Gln722Glu (NM_001193508.2, NM_001363453.3); c.2080C>G, p.Gln694Glu (NM_001440532.1, NM_001440533.1); short protein forms Q694E, Q722E.
Identifiers: ClinVar variation 5038358 (VCV005038358.1).